The following is an entry in ClinVar:

ClinVar aggregate classification (germline): Uncertain significance (1 of 4 stars; one submission).

Conditions:
Developmental and epileptic encephalopathy 94 (DEE94). Also called: CHD2-Related Neurodevelopmental Disorders; Epileptic encephalopathy, childhood-onset. Identifiers: Orphanet 1942, Orphanet 2382, MedGen C3809278, MONDO:0014150, OMIM 615369.

Allele frequency attached by ClinVar (database versions not stated): gnomAD exomes below 0.00001; ExAC 0.00001; gnomAD 0.00001.
gnomAD v4.1: 6 of 1,614,034 alleles (0.00037%); highest among the groups gnomAD compares: Non-Finnish European, 0.00042%; no homozygotes.

Submission:

Labcorp Genetics (formerly Invitae), Labcorp
Classification: Uncertain significance for Developmental and epileptic encephalopathy 94. Last evaluated: 2021-05-08. Review status: criteria provided, single submitter. Criteria: Invitae Variant Classification Sherloc (09022015). Collection method: clinical testing. Allele origin: germline.
Comment: Advanced modeling of protein sequence and biophysical properties (such as structural, functional, and spatial information, amino acid conservation, physicochemical variation, residue mobility, and thermodynamic stability) performed at Invitae indicates that this missense variant is not expected to disrupt CHD2 protein function. This variant has not been reported in the literature in individuals with CHD2-related conditions. This variant is present in population databases (rs773793367, ExAC 0.001%). This sequence change replaces isoleucine with valine at codon 520 of the CHD2 protein (p.Ile520Val). The isoleucine residue is highly conserved and there is a small physicochemical difference between isoleucine and valine. In summary, the available evidence is currently insufficient to determine the role of this variant in disease. Therefore, it has been classified as a Variant of Uncertain Significance.

NM_001271.4(CHD2):c.1558A>G (p.Ile520Val)

Gene: CHD2 (chromodomain helicase DNA binding protein 2; plus strand). Cytogenetic location: 15q26.1.
Variant type: single nucleotide variant.
Coding change: c.1558A>G on transcript NM_001271.4 (MANE Select); coding-DNA position 1558, A replaced by G.
Protein change: p.Ile520Val; replaces isoleucine 520 with valine.
Molecular consequence: missense variant.
Genome position (GRCh38, 1-based): chr15:92,953,412, A>G. VCF-style: chr15-92953412-A-G. GRCh37 (hg19) VCF-style: chr15-93496642-A-G.
Other names: short protein forms I520V.
Identifiers: ClinVar variation 1489804 (VCV001489804.8), dbSNP rs773793367, ClinGen allele CA7747835.